The following is an entry in ClinVar:

ClinVar aggregate classification (germline): Likely pathogenic (1 of 4 stars; one submission).

Conditions:
Specific granule deficiency 2 (SGD2). Identifiers: MedGen C4479548, MONDO:0044208, OMIM 617475.

Submission:

UAEU Genomics Laboratory, United Arab Emirates University
Classification: Likely pathogenic for Specific granule deficiency 2. Last evaluated: 2022-05-19. Review status: criteria provided, single submitter. Criteria: ACMG Guidelines, 2015. Collection method: research. Allele origin: germline. Affected: yes. Observed: 1 variant allele.
Comment: PM2, PVS1

NM_001098426.2(SMARCD2):c.208C>T (p.Gln70Ter)

Genes: SMARCD2 (SWI/SNF related BAF chromatin remodeling complex subunit D2; minus strand), LOC130061409 (ATAC-STARR-seq lymphoblastoid silent region 8832; plus strand). Cytogenetic location: 17q23.3.
Variant type: single nucleotide variant.
Coding change: c.208C>T on transcript NM_001098426.2 (MANE Select); coding-DNA position 208, C replaced by T.
Protein change: p.Gln70Ter; replaces glutamine 70 with a stop codon.
Molecular consequence: nonsense.
Genome position (GRCh38, 1-based): chr17:63,842,467, G>A on the plus strand (C>T on the coding strand, the complement: SMARCD2 is on the minus strand). VCF-style: chr17-63842467-G-A. GRCh37 (hg19) VCF-style: chr17-61919827-G-A.
Other names: short protein forms Q70*.
Identifiers: ClinVar variation 5042559 (VCV005042559.1).